The following is an entry in ClinVar:

ClinVar aggregate classification (germline): Uncertain significance. Review status: criteria provided, multiple submitters, no conflicts (2 of 4 stars). 3 submissions from 3 submitters: Uncertain significance (3). Last evaluated 2025-10-27.

Allele frequency attached by ClinVar (database versions not stated): TOPMed 0.00019; gnomAD exomes 0.00020; gnomAD 0.00023 and 0.00024; ESP Exome Variant Server 0.00031; ExAC 0.00018.
gnomAD v4.1: 463 of 1,614,000 alleles (0.029%); highest among the groups gnomAD compares: Middle Eastern, 0.049%; 1 homozygote.

Submissions (3):

Labcorp Genetics (formerly Invitae), Labcorp
Classification: Uncertain significance. Last evaluated: 2025-10-27. Review status: criteria provided, single submitter. Criteria: Invitae Variant Classification Sherloc (09022015). Collection method: clinical testing. Allele origin: germline.
Comment: This sequence change replaces arginine, which is basic and polar, with tryptophan, which is neutral and slightly polar, at codon 1207 of the ADCY10 protein (p.Arg1207Trp). This variant is present in population databases (rs147104989, gnomAD 0.04%). This variant has not been reported in the literature in individuals affected with ADCY10-related conditions. ClinVar contains an entry for this variant (Variation ID: 1026323). An algorithm developed to predict the effect of missense changes on protein structure and function (PolyPhen-2) suggests that this variant is likely to be disruptive. In summary, the available evidence is currently insufficient to determine the role of this variant in disease. Therefore, it has been classified as a Variant of Uncertain Significance.

Ambry Genetics
Classification: Uncertain significance. Last evaluated: 2021-08-17. Review status: criteria provided, single submitter. Criteria: Ambry Variant Classification Scheme 2023. Collection method: clinical testing. Allele origin: germline.

Breakthrough Genomics
Classification: Uncertain significance. Review status: criteria provided, single submitter. Criteria: ACMG Guidelines, 2015. Collection method: not provided. Allele origin: germline. Inheritance: Autosomal dominant inheritance. Affected: yes.

NM_018417.6(ADCY10):c.3619C>T (p.Arg1207Trp)

Gene: ADCY10 (adenylate cyclase 10; minus strand). Cytogenetic location: 1q24.2.
Variant type: single nucleotide variant.
Coding change: c.3619C>T on transcript NM_018417.6 (MANE Select); coding-DNA position 3619, C replaced by T.
Protein change: p.Arg1207Trp; replaces arginine 1207 with tryptophan.
Molecular consequence: missense variant.
Genome position (GRCh38, 1-based): chr1:167,829,398, G>A on the plus strand (C>T on the coding strand, the complement: ADCY10 is on the minus strand). VCF-style: chr1-167829398-G-A. GRCh37 (hg19) VCF-style: chr1-167798636-G-A.
Other names: c.3160C>T, p.Arg1054Trp (NM_001167749.3); c.3343C>T, p.Arg1115Trp (NM_001297772.2); c.3619C>T (NM_018417.4); short protein forms R1054W, R1115W, R1207W.
Identifiers: ClinVar variation 1026323 (VCV001026323.7), dbSNP rs147104989, ClinGen allele CA1227288.